The following is an entry in ClinVar:

ClinVar aggregate classification (germline): Uncertain significance (1 of 4 stars; one submission).

Submission:

Labcorp Genetics (formerly Invitae), Labcorp
Classification: Uncertain significance. Last evaluated: 2023-09-13. Review status: criteria provided, single submitter. Criteria: Invitae Variant Classification Sherloc (09022015). Collection method: clinical testing. Allele origin: germline.
Comment: This variant is not present in population databases (gnomAD no frequency). In summary, the available evidence is currently insufficient to determine the role of this variant in disease. Therefore, it has been classified as a Variant of Uncertain Significance. Algorithms developed to predict the effect of sequence changes on RNA splicing suggest that this variant may create or strengthen a splice site. Advanced modeling of protein sequence and biophysical properties (such as structural, functional, and spatial information, amino acid conservation, physicochemical variation, residue mobility, and thermodynamic stability) performed at Invitae indicates that this missense variant is expected to disrupt POLE protein function. This variant has not been reported in the literature in individuals affected with POLE-related conditions. This sequence change replaces lysine, which is basic and polar, with arginine, which is basic and polar, at codon 953 of the POLE protein (p.Lys953Arg).

NM_006231.4(POLE):c.2858A>G (p.Lys953Arg)

Gene: POLE (DNA polymerase epsilon, catalytic subunit; minus strand). Cytogenetic location: 12q24.33.
Variant type: single nucleotide variant.
Coding change: c.2858A>G on transcript NM_006231.4 (MANE Select); coding-DNA position 2858, A replaced by G.
Protein change: p.Lys953Arg; replaces lysine 953 with arginine.
Molecular consequence: missense variant.
Genome position (GRCh38, 1-based): chr12:132,661,533, T>C on the plus strand (A>G on the coding strand, the complement: POLE is on the minus strand). VCF-style: chr12-132661533-T-C. GRCh37 (hg19) VCF-style: chr12-133238119-T-C.
Other names: short protein forms K953R.
Identifiers: ClinVar variation 2760570 (VCV002760570.3), dbSNP rs2542045779, ClinGen allele CA387393546.